The following is an entry in ClinVar:

ClinVar aggregate classification (germline): Uncertain significance. Review status: criteria provided, multiple submitters, no conflicts (2 of 4 stars). 2 submissions from 2 submitters: Uncertain significance (2). Last evaluated 2023-08-23.

Allele frequency attached by ClinVar (database versions not stated): gnomAD exomes 0.00001.
gnomAD v4.1: 21 of 1,613,994 alleles (0.0013%); highest among the groups gnomAD compares: Non-Finnish European, 0.0018%; no homozygotes.

Submissions (2):

Labcorp Genetics (formerly Invitae), Labcorp
Classification: Uncertain significance. Last evaluated: 2023-08-23. Review status: criteria provided, single submitter. Criteria: Invitae Variant Classification Sherloc (09022015). Collection method: clinical testing. Allele origin: germline.
Comment: This sequence change replaces serine, which is neutral and polar, with tyrosine, which is neutral and polar, at codon 2511 of the KMT2A protein (p.Ser2511Tyr). In summary, the available evidence is currently insufficient to determine the role of this variant in disease. Therefore, it has been classified as a Variant of Uncertain Significance. Advanced modeling of protein sequence and biophysical properties (such as structural, functional, and spatial information, amino acid conservation, physicochemical variation, residue mobility, and thermodynamic stability) performed at Invitae indicates that this missense variant is not expected to disrupt KMT2A protein function. ClinVar contains an entry for this variant (Variation ID: 1471538). This variant has not been reported in the literature in individuals affected with KMT2A-related conditions. This variant is not present in population databases (gnomAD no frequency).

Blueprint Genetics
Classification: Uncertain significance. Last evaluated: 2022-06-07. Review status: criteria provided, single submitter. Criteria: ACMG Guidelines, 2015. Collection method: clinical testing. Allele origin: germline.

NM_001197104.2(KMT2A):c.7532C>A (p.Ser2511Tyr)

Gene: KMT2A (lysine methyltransferase 2A; plus strand). Cytogenetic location: 11q23.3.
Variant type: single nucleotide variant.
Coding change: c.7532C>A on transcript NM_001197104.2 (MANE Select); coding-DNA position 7532, C replaced by A.
Protein change: p.Ser2511Tyr; replaces serine 2511 with tyrosine.
Molecular consequence: missense variant.
Genome position (GRCh38, 1-based): chr11:118,503,424, C>A. VCF-style: chr11-118503424-C-A. GRCh37 (hg19) VCF-style: chr11-118374139-C-A.
Other names: c.7523C>A, p.Ser2508Tyr (NM_005933.4); short protein forms S2508Y, S2511Y.
Identifiers: ClinVar variation 1471538 (VCV001471538.7), dbSNP rs1950533429, ClinGen allele CA382805925.
Genomic context (GRCh38, chr11:118,503,424, plus strand): 5'-GTGATAAAGGCCTTTCTATGCCAGGAGTCCCCAAAGCTCCACCCATGCAAGTAGAAGGAT[C>A]TGCCAAGGAATTACAGGCACCACGGAAACGCACAGTCAAAGTGACACTGACACCTCTAAA-3'
Protein context (NP_001184033.1, residues 2501-2521): PKAPPMQVEG[Ser2511Tyr]AKELQAPRKR